The following is an entry in ClinVar:

NM_018834.6(MATR3):c.2113A>T (p.Ser705Cys)

Genes: MATR3 (matrin 3; plus strand), LOC126807526 (CDK7 strongly-dependent group 2 enhancer GRCh37_chr5:138657767-138658966; plus strand). Cytogenetic location: 5q31.2.
Variant type: single nucleotide variant.
Coding change: c.2113A>T on transcript NM_018834.6 (MANE Select); coding-DNA position 2113, A replaced by T.
Protein change: p.Ser705Cys; replaces serine 705 with cysteine.
Molecular consequence: missense variant.
Genome position (GRCh38, 1-based): chr5:139,322,932, A>T. VCF-style: chr5-139322932-A-T. GRCh37 (hg19) VCF-style: chr5-138658621-A-T.
Other names: c.2113A>T, p.Ser705Cys (NM_001194954.2, NM_001194955.2, NM_001400441.1 and 16 more transcripts); c.1249A>T, p.Ser417Cys (NM_001194956.2); c.1099A>T, p.Ser367Cys (NM_001282278.2, NM_001400460.1, NM_001400462.1 and 5 more transcripts); c.1213A>T, p.Ser405Cys (NM_001400461.1); c.1252A>T, p.Ser418Cys (NM_001400459.1); short protein forms S417C, S367C, S405C, S705C, S418C.
Identifiers: ClinVar variation 2040368 (VCV002040368.1), dbSNP rs772009947, ClinGen allele CA361144959.
Genomic context (GRCh38, chr5:139,322,932, plus strand): 5'-GGTGATGTGGCTTCTGATGGGAAAAAGGAACCATCAGATAAAGCTGTGAAAAAAGATGGA[A>T]GTGCTTCAGCAGCAGCAAAGAAAAAGCTTAAAAAGGTAAAGAAAGATACATTGATTTGTT-3'
Protein context (NP_061322.2, residues 695-715): PSDKAVKKDG[Ser705Cys]ASAAAKKKLK

ClinVar aggregate classification (germline): Uncertain significance (1 of 4 stars; one submission).

Conditions:
Amyotrophic lateral sclerosis type 21. Also called: VOCAL CORD AND PHARYNGEAL DYSFUNCTION WITH DISTAL MYOPATHY; MYOPATHY, DISTAL, 2. Identifiers: Orphanet 600, Orphanet 803, MedGen C3807521, MONDO:0011632, OMIM 606070.

gnomAD v4.1: 3 of 1,614,056 alleles (0.00019%); highest among the groups gnomAD compares: Non-Finnish European, 0.00025%; no homozygotes.

Submission:

Labcorp Genetics (formerly Invitae), Labcorp
Classification: Uncertain significance for Amyotrophic lateral sclerosis type 21. Last evaluated: 2022-10-05. Review status: criteria provided, single submitter. Criteria: Invitae Variant Classification Sherloc (09022015). Collection method: clinical testing. Allele origin: germline.
Comment: This sequence change replaces serine, which is neutral and polar, with cysteine, which is neutral and slightly polar, at codon 705 of the MATR3 protein (p.Ser705Cys). This variant is not present in population databases (gnomAD no frequency). This variant has not been reported in the literature in individuals affected with MATR3-related conditions. Advanced modeling of protein sequence and biophysical properties (such as structural, functional, and spatial information, amino acid conservation, physicochemical variation, residue mobility, and thermodynamic stability) performed at Invitae indicates that this missense variant is not expected to disrupt MATR3 protein function. In summary, the available evidence is currently insufficient to determine the role of this variant in disease. Therefore, it has been classified as a Variant of Uncertain Significance.